The following is an entry in ClinVar:

ClinVar aggregate classification (germline): Likely pathogenic (1 of 4 stars; one submission).

Submission:

Labcorp Genetics (formerly Invitae), Labcorp
Classification: Likely pathogenic. Last evaluated: 2025-08-22. Review status: criteria provided, single submitter. Criteria: Invitae Variant Classification Sherloc (09022015). Collection method: clinical testing. Allele origin: germline.
Comment: This sequence change affects an acceptor splice site in intron 21 of the FBXO11 gene. It is expected to disrupt RNA splicing. Variants that disrupt the donor or acceptor splice site typically lead to a loss of protein function (PMID: 16199547), and loss-of-function variants in FBXO11 are known to be pathogenic (PMID: 30057029, 30679813). This variant is not present in population databases (gnomAD no frequency). This variant has not been reported in the literature in individuals affected with FBXO11-related conditions. Algorithms developed to predict the effect of sequence changes on RNA splicing suggest that this variant may disrupt the consensus splice site. In summary, the currently available evidence indicates that the variant is pathogenic, but additional data are needed to prove that conclusively. Therefore, this variant has been classified as Likely Pathogenic.

Literature cited by the submitters: PubMed 16199547; PubMed 30057029; PubMed 30679813.

NM_001190274.2(FBXO11):c.2556-1G>A

Genes: FBXO11 (F-box protein 11; minus strand), MSH6 (mutS homolog 6; plus strand). Cytogenetic location: 2p16.3.
Variant type: single nucleotide variant.
Coding change: c.2556-1G>A on transcript NM_001190274.2 (MANE Select); the canonical splice acceptor site of the intron before coding-DNA position 2556, G replaced by A.
Molecular consequence: splice acceptor variant. On other transcripts: intron variant (6).
Genome position (GRCh38, 1-based): chr2:47,808,428, C>T on the plus strand (G>A on the coding strand, the complement: FBXO11 is on the minus strand). VCF-style: chr2-47808428-C-T. GRCh37 (hg19) VCF-style: chr2-48035567-C-T.
Other names: c.*43+1525C>T (NM_001406809.1); c.*40+1528C>T (NM_001406796.1, NM_001406811.1, NM_001406805.1 and 2 more transcripts); c.2304-1G>A (NM_001374325.1, NM_025133.4).
Identifiers: ClinVar variation 4725859 (VCV004725859.1).
Genomic context (GRCh38, chr2:47,808,428, plus strand): 5'-CACTTCTTAATGCAGTTCACACATATGGCATTTCGATCTGTGGTGTTACAAGTATGACAT[C>T]TAAAAAGCAAAAGCTTAAATTACTTTTCTCAAACATGTCATTAATGCAAAACATTCCATT-3'